The following is an entry in ClinVar:

NM_001349253.2(SCN11A):c.1054A>G (p.Met352Val)

Gene: SCN11A (sodium voltage-gated channel alpha subunit 11; minus strand). Cytogenetic location: 3p22.2.
Variant type: single nucleotide variant.
Coding change: c.1054A>G on transcript NM_001349253.2 (MANE Select); coding-DNA position 1054, A replaced by G.
Protein change: p.Met352Val; replaces methionine 352 with valine.
Molecular consequence: missense variant.
Genome position (GRCh38, 1-based): chr3:38,910,113, T>C on the plus strand (A>G on the coding strand, the complement: SCN11A is on the minus strand). VCF-style: chr3-38910113-T-C. GRCh37 (hg19) VCF-style: chr3-38951604-T-C.
Other names: c.1054A>G, p.Met352Val (NM_014139.3); short protein forms M352V.
Identifiers: ClinVar variation 837799 (VCV000837799.10), dbSNP rs757066072, ClinGen allele CA2322418.

ClinVar aggregate classification (germline): Uncertain significance. Review status: criteria provided, multiple submitters, no conflicts (2 of 4 stars). 4 submissions from 4 submitters: Uncertain significance (4). Last evaluated 2026-03-31.

Conditions:
SCN11A-related disorder. Also called: SCN11A-related condition.
Hereditary sensory and autonomic neuropathy type 7. Also called: HSAN VII; Neuropathy, hereditary sensory and autonomic, type VII. Identifiers: Orphanet 391397, MedGen C3809882, MONDO:0014244, OMIM 615548.
Familial episodic pain syndrome with predominantly lower limb involvement. Also called: Episodic pain syndrome, familial, 3. Identifiers: Orphanet 391384, Orphanet 391392, MedGen C3809899, MONDO:0014247, OMIM 615552.
Inborn genetic diseases. Identifiers: MedGen C0950123, MeSH D030342.

Allele frequency attached by ClinVar (database versions not stated): ExAC 0.00001; gnomAD exomes 0.00002 and 0.00003; TOPMed 0.00002; gnomAD 0.00004.
gnomAD v4.1: 48 of 1,613,824 alleles (0.003%); highest among the groups gnomAD compares: African/African-American, 0.0053%; no homozygotes.

Submissions (4):

PreventionGenetics, part of Exact Sciences
Classification: Uncertain significance for SCN11A-related condition. Last evaluated: 2026-03-31. Review status: criteria provided, single submitter. Criteria: ACMG Guidelines, 2015. Collection method: clinical testing. Allele origin: germline.
Comment: The SCN11A c.1054A>G variant is predicted to result in the amino acid substitution p.Met352Val. To our knowledge, this variant has not been reported in the literature. This variant is reported in 0.0033% of alleles in individuals of South Asian descent in gnomAD. At this time, the clinical significance of this variant is uncertain due to the absence of conclusive functional and genetic evidence.

Labcorp Genetics (formerly Invitae), Labcorp
Classification: Uncertain significance for Familial episodic pain syndrome with predominantly lower limb involvement; Hereditary sensory and autonomic neuropathy type 7. Last evaluated: 2024-06-19. Review status: criteria provided, single submitter. Criteria: Invitae Variant Classification Sherloc (09022015). Collection method: clinical testing. Allele origin: germline.
Comment: This sequence change replaces methionine, which is neutral and non-polar, with valine, which is neutral and non-polar, at codon 352 of the SCN11A protein (p.Met352Val). This variant is present in population databases (rs757066072, gnomAD 0.003%). This variant has not been reported in the literature in individuals affected with SCN11A-related conditions. ClinVar contains an entry for this variant (Variation ID: 837799). Advanced modeling of protein sequence and biophysical properties (such as structural, functional, and spatial information, amino acid conservation, physicochemical variation, residue mobility, and thermodynamic stability) performed at Invitae indicates that this missense variant is not expected to disrupt SCN11A protein function with a negative predictive value of 80%. In summary, the available evidence is currently insufficient to determine the role of this variant in disease. Therefore, it has been classified as a Variant of Uncertain Significance.

Women's Health and Genetics/Laboratory Corporation of America, LabCorp
Classification: Uncertain significance. Last evaluated: 2022-07-28. Review status: criteria provided, single submitter. Criteria: LabCorp Variant Classification Summary - May 2015. Collection method: clinical testing. Allele origin: germline.
Comment: Variant summary: SCN11A c.1054A>G (p.Met352Val) results in a conservative amino acid change located in the Ion transport domain of the encoded protein sequence. Three of five in-silico tools predict a benign effect of the variant on protein function. The variant allele was found at a frequency of 1.6e-05 in 251112 control chromosomes. The available data on variant occurrences in the general population are insufficient to allow any conclusion about variant significance. To our knowledge, no occurrence of c.1054A>G in individuals affected with Hereditary Sensory And Autonomic Neuropathy Type 7 and no experimental evidence demonstrating its impact on protein function have been reported. One clinical diagnostic laboratory has submitted clinical-significance assessments for this variant to ClinVar after 2014 without evidence for independent evaluation. One laboratory classified the variant as uncertain significance. Based on the evidence outlined above, the variant was classified as uncertain significance.

Ambry Genetics
Classification: Uncertain significance for Inborn genetic diseases. Last evaluated: 2021-05-19. Review status: criteria provided, single submitter. Criteria: Ambry Variant Classification Scheme 2023. Collection method: clinical testing. Allele origin: germline.
Comment: The p.M352V variant (also known as c.1054A>G), located in coding exon 8 of the SCN11A gene, results from an A to G substitution at nucleotide position 1054. The methionine at codon 352 is replaced by valine, an amino acid with highly similar properties. This amino acid position is not well conserved in available vertebrate species. In addition, the in silico prediction for this alteration is inconclusive. Since supporting evidence is limited at this time, the clinical significance of this alteration remains unclear.